The following is an entry in ClinVar:

ClinVar aggregate classification (germline): Pathogenic. Review status: criteria provided, multiple submitters, no conflicts (2 of 4 stars). 2 submissions from 2 submitters: Pathogenic (2). Last evaluated 2026-05-01.

Conditions:
Tatton-Brown-Rahman overgrowth syndrome. Also called: Tall stature-intellectual disability-facial dysmorphism syndrome; Tatton-Brown-Rahman syndrome. Identifiers: Orphanet 404443, MedGen C4014545, MONDO:0014382, OMIM 615879.

gnomAD v4.1: 3 of 1,613,864 alleles (0.00019%); highest among the groups gnomAD compares: African/African-American, 0.0013%; no homozygotes.

Submissions (2):

CeGaT Center for Human Genetics Tuebingen
Classification: Pathogenic. Last evaluated: 2026-05-01. Review status: criteria provided, single submitter. Criteria: CeGaT Center For Human Genetics Tuebingen Variant Classification Criteria Version 2. Collection method: clinical testing. Allele origin: germline. Affected: yes. Observed: 1 variant allele.
Comment: DNMT3A: PVS1, PM2

Labcorp Genetics (formerly Invitae), Labcorp
Classification: Pathogenic for Tatton-Brown-Rahman overgrowth syndrome. Last evaluated: 2024-12-24. Review status: criteria provided, single submitter. Criteria: Invitae Variant Classification Sherloc (09022015). Collection method: clinical testing. Allele origin: germline.
Comment: This sequence change creates a premature translational stop signal (p.Gln248*) in the DNMT3A gene. It is expected to result in an absent or disrupted protein product. Loss-of-function variants in DNMT3A are known to be pathogenic (PMID: 24614070). The frequency data for this variant in the population databases is considered unreliable, as metrics indicate poor data quality at this position in the gnomAD database. This variant has not been reported in the literature in individuals affected with DNMT3A-related conditions. For these reasons, this variant has been classified as Pathogenic.

Literature cited by the submitters: PubMed 24614070 (cited by Labcorp Genetics (formerly Invitae), Labcorp).

NM_022552.5(DNMT3A):c.742C>T (p.Gln248Ter)

Gene: DNMT3A (DNA methyltransferase 3 alpha; minus strand). Cytogenetic location: 2p23.3.
Variant type: single nucleotide variant.
Coding change: c.742C>T on transcript NM_022552.5 (MANE Select); coding-DNA position 742, C replaced by T.
Protein change: p.Gln248Ter; replaces glutamine 248 with a stop codon.
Molecular consequence: nonsense. On other transcripts: non-coding transcript variant (1).
Genome position (GRCh38, 1-based): chr2:25,248,150, G>A on the plus strand (C>T on the coding strand, the complement: DNMT3A is on the minus strand). VCF-style: chr2-25248150-G-A. GRCh37 (hg19) VCF-style: chr2-25471019-G-A.
Other names: c.286C>T, p.Gln96Ter (NM_001320893.1); c.73C>T, p.Gln25Ter (NM_001375819.1); c.175C>T, p.Gln59Ter (NM_153759.3); c.742C>T, p.Gln248Ter (NM_175629.2); short protein forms Q248*, Q25*, Q59*, Q96*.
Identifiers: ClinVar variation 3603360 (VCV003603360.4).